The following continues an entry in ClinVar:

NM_000059.4(BRCA2):c.9104A>C (p.Tyr3035Ser)

Gene: BRCA2. ClinVar aggregate classification (germline): Conflicting classifications of pathogenicity. Uncertain significance (5); Benign (3); Likely benign (10).

Submissions 12 to 25 of 25:

Sema4
Classification: Uncertain significance for Hereditary cancer-predisposing syndrome. Last evaluated: 2021-12-05. Review status: criteria provided, single submitter. Criteria: Sema4 Curation Guidelines. Collection method: curation. Allele origin: germline.
Comment: The BRCA2 c.9104A>C (p.Y3035S) variant has been reported in numerous individuals with prostate cancer and breast and/or ovarian cancer (PMID: 21952622, 25971625, 29088781, 27616075, 28324225, 28283652, among others). It was also observed in healthy controls (PMID: 24728327, 28283652, 26183948, 30287823). It has been reported in a large case-control study of breast cancer in 12/60466 cases and 7/53461 controls (PMID: 33471991). It was observed in 13/127670 chromosomes of the Non-Finnish European subpopulation, with no homozygotes, in the large and broad cohorts of the Genome Aggregation Database (PMID: 32461654). This variant has been reported in ClinVar (Variation ID: 38211). Splicing assays have demonstrated the normal function of the protein (PMID: 32123317). Functional studies showed the variant to result in decreased homology-directed repair activity, decreased sensitivity to cisplatin and poly (ADP-ribose) polymerase inhibitors and complementation of BRCA2 null mouse embryonic stem cell survival (PMID: 29884841, 29988080, 32444794, 29394989). The evidence is insufficient to meet ACMG/AMP criteria for classifying the variant as benign or pathogenic. Thus, the clinical significance of this variant is currently uncertain.

GeneDx
Classification: Likely benign. Last evaluated: 2021-02-01. Review status: criteria provided, single submitter. Criteria: GeneDx Variant Classification Process June 2021. Collection method: clinical testing. Allele origin: germline. Affected: yes.
Comment: In silico analysis, which includes protein predictors and evolutionary conservation, supports that this variant does not alter protein structure/function; This variant is associated with the following publications: (PMID: 27221827, 10923033, 24728327, 25782689, 25971625, 20104584, 18627636, 19043619, 23231788, 26183948, 27616075, 28324225, 28283652, 21952622, 22711857, 21673748, 22476429, 29394989, 29088781, 24094589, 20167696, 29341116, 29988080, 30254663, 28726806, 29684080, 31409081, 31300551, 31294896, 32444794, 31131967, 31954625, 32123317, 29884841)

CHEO Genetics Diagnostic Laboratory, Children's Hospital of Eastern Ontario
Classification: Uncertain significance for Breast and/or ovarian cancer. Last evaluated: 2020-01-06. Review status: criteria provided, single submitter. Criteria: ACMG Guidelines, 2015. Collection method: clinical testing. Allele origin: germline.

Ambry Genetics
Classification: Likely benign for Hereditary cancer-predisposing syndrome. Last evaluated: 2018-12-07. Review status: criteria provided, single submitter. Criteria: Ambry Variant Classification Scheme 2023. Collection method: clinical testing. Allele origin: germline.

Color Diagnostics, LLC DBA Color Health
Classification: Likely benign for Hereditary cancer-predisposing syndrome. Last evaluated: 2015-10-28. Review status: criteria provided, single submitter. Criteria: ACMG Guidelines, 2015. Collection method: clinical testing. Allele origin: germline.

Clinical Genetics DNA and cytogenetics Diagnostics Lab, Erasmus MC, Erasmus Medical Center
Classification: Uncertain significance for Breast-ovarian cancer, familial, susceptibility to, 2. Last evaluated: 2015-09-21. Review status: criteria provided, single submitter. Criteria: ACGS Guidelines, 2013. Collection method: clinical testing. Allele origin: germline. Affected: yes. Study: VKGL Data-share Consensus.

Laboratory of Medical Genetics Unit, Bambino Gesù Children's Hospital
Classification: Uncertain significance for Pilocytic astrocytoma. Review status: criteria provided, single submitter. Criteria: ACMG Guidelines, 2015. Collection method: research. Allele origin: germline. Affected: yes.
Comment: The variant NM_000059.4 (BRCA2): c.9104A>C (p.Tyr3035Ser) is rare on GnomAD and it is reported in literature. It is annotated on Clinvar as benign/vus associated with Hereditary Cancer-predisposing Syndrome [RCV000130861.20] and Hereditary Breast Ovarian Cancer Syndrome [RCV005430470.1]. It is classified as a VUS variant following the ACMG criteria (PM2, PP3 and BP6).

Department of Medical and Surgical Sciences, University of Bologna
Classification: Benign for Breast-ovarian cancer, familial, susceptibility to, 2. Last evaluated: 2023-09-01. Review status: no assertion criteria provided. Collection method: clinical testing. Allele origin: germline. Affected: yes. Not counted in ClinVar's aggregate classification.
Comment: BS1(Supporting)+BP4(Supporting)+BP5(Very Strong) according to ACMG/AMP classification guidelines specified for BRCA1 & BRCA2 (Classification Criteria V1.0.0 2023-09-08) (PMID: 38160042)

Cancer Genetics and Genomics Laboratory, British Columbia Cancer Agency
Classification: Uncertain significance for Hereditary breast ovarian cancer syndrome. Last evaluated: 2016-04-14. Review status: no assertion criteria provided. Collection method: clinical testing. Allele origin: germline. Study: The Canadian Open Genetics Repository (COGR). Not counted in ClinVar's aggregate classification.

Foulkes Cancer Genetics LDI, Lady Davis Institute for Medical Research
Classification: Uncertain significance for Breast and/or ovarian cancer. Last evaluated: 2013-10-11. Review status: no assertion criteria provided. Collection method: clinical testing. Allele origin: germline. Study: The Canadian Open Genetics Repository (COGR). Not counted in ClinVar's aggregate classification.

ITMI
No classification provided. Condition: AllHighlyPenetrant. Last evaluated: 2013-09-19. Review status: no classification provided. Collection method: reference population. Allele origin: germline. Not counted in ClinVar's aggregate classification.
Comment: Please see associated publication for description of ethnicities

Sharing Clinical Reports Project (SCRP)
Classification: Benign for Breast-ovarian cancer, familial 2. Last evaluated: 2011-08-18. Review status: no assertion criteria provided. Collection method: clinical testing. Allele origin: germline. Not counted in ClinVar's aggregate classification.

Breast Cancer Information Core (BIC) (BRCA2)
Classification: Uncertain significance for Breast-ovarian cancer, familial 2. Last evaluated: 2002-05-29. Review status: no assertion criteria provided. Collection method: clinical testing. Allele origin: germline. Affected: yes. Observed: 9 variant alleles. Not counted in ClinVar's aggregate classification.

Department of Pathology and Laboratory Medicine, Sinai Health System
Classification: Uncertain significance for Malignant tumor of breast. Review status: no assertion criteria provided. Collection method: clinical testing. Allele origin: unknown. Affected: yes. Study: The Canadian Open Genetics Repository (COGR). Not counted in ClinVar's aggregate classification.
Comment: The BRCA2 p.Tyr3035Ser variant was identified in 28 of 105,838 proband chromosomes (frequency: 0.0003) from individuals or families with prostate and hereditary breast and ovarian cancer and was present in 8 of 98,938 control chromosomes (frequency: 0.00008) from healthy individuals (Moghadasi 2013, Kote-Jarai 2011, Alsop 2012, Dodova 2015, Muendlein 2015, Kraus 2017, Meisel 2017, Shimelis 2017). The variant was identified in dbSNP (rs80359165) as â€šÃ„Ãºwith uncertain significance, other alleleâ€šÃ„Ã¹, ClinVar (classified as uncertain significance by GeneDx, Integrated Genetics BIC, Sinai Health System and 4 other submitters, likely benign by Ambry Genetics, Color and Invitae and benign by SCRP), LOVD 3.0 (observed 27x) and UMD-LSDB (observed 19x). The variant was identified in control databases in 14 of 280,642 chromosomes at a frequency of 0.00005 (Genome Aggregation Database Feb 27, 2017). The variant was observed in the following populations: European in 13 of 127,670 chromosomes (freq: 0.0001), Latino in 1 of 35,294 chromosomes (freq: 0.00003), while the variant was not observed in the African, Ashkenazi Jewish, East Asian, Finnish, Other and South Asian populations. The variant co-segregated with disease in multiple high-risk breast cancer families (Shimelis 2017). In UMD-LSDB, the variant was observed in samples with co-occurring pathogenic BRCA2 (c.1540_1549del p.Glu514Metfs*8, c.7913_7917delTTCCT p.Phe2638*) and BRCA1 (c.2603C>G p.Ser868*) variants. In one study, in vitro expression of the variant altered homology directed repair activity and decreased BRCA2 DNA binding (Shimelis 2017). The p.Tyr3035 residue is conserved in mammals but not in more distantly related organisms, and computational analyses (PolyPhen-2, SIFT, AlignGVGD, BLOSUM, MutationTaster) suggest that the variant may impact the protein; however, this information is not predictive enough to assume pathogenicity. The variant occurs outside of the splicing consensus sequence and in silico or computational prediction software programs (SpliceSiteFinder, MaxEntScan, NNSPLICE, GeneSplicer) do not predict a difference in splicing. In summary, based on the above information the clinical significance of this variant cannot be determined with certainty at this time. This variant is classified as a variant of uncertain significance.

Literature cited by the submitters: PubMed 33471991 (cited by 4 submitters); PubMed 33609447 (cited by Hema, HEMA – Genetic and Molecular Diagnostic Laboratory); PubMed 32444794 (cited by 4 submitters); PubMed 29988080 (cited by 4 submitters); PubMed 31131967 (cited by Hema, HEMA – Genetic and Molecular Diagnostic Laboratory and Quest Diagnostics Nichols Institute San Juan Capistrano); PubMed 29088781 (cited by 3 submitters); PubMed 31294896 (cited by Quest Diagnostics Nichols Institute San Juan Capistrano); PubMed 27616075 (cited by Quest Diagnostics Nichols Institute San Juan Capistrano and Sema4); PubMed 28324225 (cited by Quest Diagnostics Nichols Institute San Juan Capistrano and Sema4); PubMed 23231788 (cited by Quest Diagnostics Nichols Institute San Juan Capistrano and Women's Health and Genetics/Laboratory Corporation of America, LabCorp); PubMed 25971625 (cited by 3 submitters); PubMed 28283652 (cited by 3 submitters); PubMed 30254663 (cited by Quest Diagnostics Nichols Institute San Juan Capistrano and Women's Health and Genetics/Laboratory Corporation of America, LabCorp); PubMed 29335924 (cited by Quest Diagnostics Nichols Institute San Juan Capistrano and Women's Health and Genetics/Laboratory Corporation of America, LabCorp); PubMed 28807866 (cited by Quest Diagnostics Nichols Institute San Juan Capistrano and Women's Health and Genetics/Laboratory Corporation of America, LabCorp); PubMed 26183948 (cited by 3 submitters); PubMed 25782689 (cited by Quest Diagnostics Nichols Institute San Juan Capistrano and Women's Health and Genetics/Laboratory Corporation of America, LabCorp); PubMed 22711857 (cited by Quest Diagnostics Nichols Institute San Juan Capistrano and Women's Health and Genetics/Laboratory Corporation of America, LabCorp); PubMed 31954625 (cited by Quest Diagnostics Nichols Institute San Juan Capistrano); PubMed 29394989 (cited by 3 submitters); PubMed 19043619 (cited by Quest Diagnostics Nichols Institute San Juan Capistrano and Women's Health and Genetics/Laboratory Corporation of America, LabCorp); PubMed 21952622 (cited by 3 submitters); PubMed 24728327 (cited by 4 submitters); PubMed 21673748 (cited by Quest Diagnostics Nichols Institute San Juan Capistrano and Women's Health and Genetics/Laboratory Corporation of America, LabCorp); PubMed 35736817 (cited by Quest Diagnostics Nichols Institute San Juan Capistrano and Women's Health and Genetics/Laboratory Corporation of America, LabCorp); PubMed 32438681 (cited by Quest Diagnostics Nichols Institute San Juan Capistrano); PubMed 32123317 (cited by 3 submitters); PubMed 22476429 (cited by Women's Health and Genetics/Laboratory Corporation of America, LabCorp); PubMed 20167696 (cited by Women's Health and Genetics/Laboratory Corporation of America, LabCorp); PubMed 24094589 (cited by Women's Health and Genetics/Laboratory Corporation of America, LabCorp); PubMed 29884841 (cited by Women's Health and Genetics/Laboratory Corporation of America, LabCorp and Sema4); PubMed 31300551 (cited by Women's Health and Genetics/Laboratory Corporation of America, LabCorp); PubMed 34597585 (cited by Women's Health and Genetics/Laboratory Corporation of America, LabCorp); PubMed 30287823 (cited by Sema4).